The following is an entry in ClinVar:

ClinVar aggregate classification (germline): Conflicting classifications of pathogenicity. Review status: criteria provided, conflicting classifications (1 of 4 stars). 3 submissions from 3 submitters: Uncertain significance (1); Likely benign (1). 1 of the submissions does not count toward it. Last evaluated 2022-09-09.

Conditions:
Inborn genetic diseases. Identifiers: MedGen C0950123, MeSH D030342.

Submissions (3):

Labcorp Genetics (formerly Invitae), Labcorp
Classification: Uncertain significance. Last evaluated: 2022-09-09. Review status: criteria provided, single submitter. Criteria: Invitae Variant Classification Sherloc (09022015). Collection method: clinical testing. Allele origin: germline.
Comment: In summary, the available evidence is currently insufficient to determine the role of this variant in disease. Therefore, it has been classified as a Variant of Uncertain Significance. ClinVar contains an entry for this variant (Variation ID: 591704). This variant has not been reported in the literature in individuals affected with ARID1B-related conditions. The frequency data for this variant in the population databases is considered unreliable, as metrics indicate poor data quality at this position in the gnomAD database. This variant, c.957_974dup, results in the insertion of 6 amino acid(s) of the ARID1B protein (p.Ser320_Gly325dup), but otherwise preserves the integrity of the reading frame.

Ambry Genetics
Classification: Likely benign for Inborn genetic diseases. Last evaluated: 2018-06-20. Review status: criteria provided, single submitter. Criteria: Ambry Variant Classification Scheme 2023. Collection method: clinical testing. Allele origin: germline.

Gharavi Laboratory, Columbia University
Classification: Uncertain significance. Last evaluated: 2018-09-16. Review status: no assertion criteria provided. Criteria: ACMG Guidelines, 2015. Collection method: research. Allele origin: germline. Affected: yes. Not counted in ClinVar's aggregate classification.

NM_001374828.1(ARID1B):c.1206_1223dup (p.Gly408_Gly409insSerGlyGlyGlyGlyGly)

Gene: ARID1B (AT-rich interaction domain 1B; plus strand). Cytogenetic location: 6q25.3.
Variant type: Duplication.
Coding change: c.1206_1223dup on transcript NM_001374828.1 (MANE Select); coding-DNA positions 1206 to 1223, 18 bases duplicated (CAGCGGAGGAGGAGGAGG).
Protein change: p.Gly408_Gly409insSerGlyGlyGlyGlyGly.
Molecular consequence: inframe insertion.
Genome position (GRCh38, 1-based): chr6:156,778,886-156,778,903, CAGCGGAGGAGGAGGAGG duplicated; duplicating any 18 consecutive bases within chr6:156,778,870-156,778,903 gives the same sequence; the c. name uses the placement nearest the transcript's 3' end. VCF-style (leftmost placement, unchanged base first): chr6-156778869-G-GGCGGAGGAGGAGGAGGCA. GRCh37 (hg19) VCF-style: chr6-157100003-G-GGCGGAGGAGGAGGAGGCA.
Other names: c.957_974dupCAGCGGAGGAGGAGGAGG (NM_020732.3); c.1206_1223dup, p.Gly408_Gly409insSerGlyGlyGlyGlyGly (NM_001371656.1, NM_001374820.1, NM_017519.3).
Identifiers: ClinVar variation 591704 (VCV000591704.6), dbSNP rs755976776, ClinGen allele CA4066711.